The following is an entry in ClinVar:

NM_000094.4(COL7A1):c.1568G>A (p.Arg523Gln)

Gene: COL7A1 (collagen type VII alpha 1 chain; minus strand). Cytogenetic location: 3p21.31.
Variant type: single nucleotide variant.
Coding change: c.1568G>A on transcript NM_000094.4 (MANE Select); coding-DNA position 1568, G replaced by A.
Protein change: p.Arg523Gln; replaces arginine 523 with glutamine.
Molecular consequence: missense variant.
Genome position (GRCh38, 1-based): chr3:48,591,532, C>T on the plus strand (G>A on the coding strand, the complement: COL7A1 is on the minus strand). VCF-style: chr3-48591532-C-T. GRCh37 (hg19) VCF-style: chr3-48628965-C-T.
Other names: short protein forms R523Q.
Identifiers: ClinVar variation 2154349 (VCV002154349.6), dbSNP rs749579224, ClinGen allele CA2381175.
Genomic context (GRCh38, chr3:48,591,532, plus strand): 5'-CTGCGCACAATGATGCGGTACTGGGTGGCACCAGGGACTGGGCTCCAGGACACTCGCACC[C>T]GCTGCCCGGGCAGCTCGGTGGCTTGCAGGTCTGTTACAGGGCTCACAGGCAGCTCTGGTC-3'
Protein context (NP_000085.1, residues 513-533): DLQATELPGQ[Arg523Gln]VRVSWSPVPG

ClinVar aggregate classification (germline): Likely benign. Review status: criteria provided, multiple submitters, no conflicts (2 of 4 stars). 3 submissions from 3 submitters: Likely benign (2). 1 of the submissions does not count toward it. Last evaluated 2025-11-11.

Conditions:
COL7A1-related disorder. Also called: COL7A1- related disorders; COL7A1-related condition.

Allele frequency attached by ClinVar (database versions not stated): gnomAD 0.00001; gnomAD exomes 0.00001; TOPMed 0.00001; ExAC 0.00002.
gnomAD v4.1: 30 of 1,613,850 alleles (0.0019%); highest among the groups gnomAD compares: African/African-American, 0.021%; 1 homozygote.

Submissions (3):

Labcorp Genetics (formerly Invitae), Labcorp
Classification: Likely benign. Last evaluated: 2025-11-11. Review status: criteria provided, single submitter. Criteria: Invitae Variant Classification Sherloc (09022015). Collection method: clinical testing. Allele origin: germline.

Blueprint Genetics
Classification: Likely benign. Last evaluated: 2024-01-23. Review status: criteria provided, single submitter. Criteria: ACMG Guidelines, 2015. Collection method: clinical testing. Allele origin: germline.

PreventionGenetics, part of Exact Sciences
Classification: Uncertain significance for COL7A1-related condition. Last evaluated: 2024-04-01. Review status: no assertion criteria provided. Collection method: clinical testing. Allele origin: germline. Not counted in ClinVar's aggregate classification.
Comment: The COL7A1 c.1568G>A variant is predicted to result in the amino acid substitution p.Arg523Gln. To our knowledge, this variant has not been reported in the literature. This variant is reported in 0.0062% of alleles in individuals of African descent in gnomAD. At this time, the clinical significance of this variant is uncertain due to the absence of conclusive functional and genetic evidence.